The following is an entry in ClinVar:

NM_002769.5(PRSS1):c.614T>C (p.Val205Ala)

Genes: TRB (T cell receptor beta locus; plus strand), PRSS1 (serine protease 1; plus strand). Cytogenetic location: 7q34.
Variant type: single nucleotide variant.
Coding change: c.614T>C on transcript NM_002769.5 (MANE Select); coding-DNA position 614, T replaced by C.
Protein change: p.Val205Ala; replaces valine 205 with alanine.
Molecular consequence: missense variant. On other transcripts: non-coding transcript variant (5).
Genome position (GRCh38, 1-based): chr7:142,752,890, T>C. VCF-style: chr7-142752890-T-C. GRCh37 (hg19) VCF-style: chr7-142460741-T-C.
Other names: short protein forms V205A.
Identifiers: ClinVar variation 1698532 (VCV001698532.2), dbSNP rs747422004, ClinGen allele CA369610609.

ClinVar aggregate classification (germline): Uncertain significance. Review status: criteria provided, multiple submitters, no conflicts (2 of 4 stars). 2 submissions from 2 submitters: Uncertain significance (2). Last evaluated 2026-08-11.

Conditions:
Hereditary pancreatitis (PCTT). Also called: PRSS1-Related Hereditary Pancreatitis; Hereditary chronic pancreatitis. Identifiers: Orphanet 676, MedGen C0238339, MONDO:0008185, OMIM 167800.

Submissions (2):

Ambry Genetics
Classification: Uncertain significance for Hereditary pancreatitis. Last evaluated: 2026-08-11. Review status: criteria provided, single submitter. Criteria: Ambry Variant Classification Scheme 2023. Collection method: clinical testing. Allele origin: germline.
Comment: The p.V205A variant (also known as c.614T>C), located in coding exon 5 of the PRSS1 gene, results from a T to C substitution at nucleotide position 614. The valine at codon 205 is replaced by alanine, an amino acid with similar properties. This amino acid position is conserved. In addition, the in silico prediction for this alteration is inconclusive. Based on the available evidence, the clinical significance of this variant remains unclear.

Women's Health and Genetics/Laboratory Corporation of America, LabCorp
Classification: Uncertain significance. Last evaluated: 2022-06-09. Review status: criteria provided, single submitter. Criteria: LabCorp Variant Classification Summary - May 2015. Collection method: clinical testing. Allele origin: germline.
Comment: Variant summary: PRSS1 c.614T>C (p.Val205Ala) results in a non-conservative amino acid change located in the Serine proteases, trypsin domain (IPR001254) of the encoded protein sequence. Four of five in-silico tools predict a damaging effect of the variant on protein function. The variant was absent in 251478 control chromosomes (gnomAD). The available data on variant occurrences in the general population are insufficient to allow any conclusion about variant significance. To our knowledge, no occurrence of c.614T>C in individuals affected with Chronic Pancreatitis Risk and no experimental evidence demonstrating its impact on protein function have been reported. No clinical diagnostic laboratories have submitted clinical-significance assessments for this variant to ClinVar after 2014. Based on the evidence outlined above, the variant was classified as uncertain significance.